The following is an entry in ClinVar:

NM_000282.4(PCCA):c.1846-43G>C

Gene: PCCA (propionyl-CoA carboxylase subunit alpha; plus strand). Cytogenetic location: 13q32.3.
Variant type: single nucleotide variant.
Coding change: c.1846-43G>C on transcript NM_000282.4 (MANE Select); 43 bases into the intron before coding-DNA position 1846, G replaced by C.
Molecular consequence: intron variant.
Genome position (GRCh38, 1-based): chr13:100,449,209, G>C. VCF-style: chr13-100449209-G-C. GRCh37 (hg19) VCF-style: chr13-101101463-G-C.
Other names: c.1846-43G>C (NM_001178004.2, NM_001352609.2); c.1845+23478G>C (NM_001352605.2); c.1702-43G>C (NM_001352606.2); c.901-43G>C (NM_001352610.2); c.900+23478G>C (NM_001352611.2); c.757-43G>C (NM_001352612.2); c.1768-43G>C (NM_001127692.3, NM_001352607.2); c.1624-43G>C (NM_001352608.2).
Identifiers: ClinVar variation 676321 (VCV000676321.1), dbSNP rs1283293, ClinGen allele CA7033808.
Genomic context (GRCh38, chr13:100,449,209, plus strand): 5'-CCATCCATCAGTTGATGGACATTTGGGTTTTTTGGCTATCGTGAACATTACATACAAGCT[G>C]TGCAGATATGAGTTCATTTTATATCTCTTGTTTGTTTTTTAGTGTCTTTCTCGAGAAGCA-3'

ClinVar aggregate classification (germline): Likely benign (1 of 4 stars; one submission).

Allele frequency attached by ClinVar (database versions not stated): gnomAD exomes 0.00083 and 0.00232; ExAC 0.00462; gnomAD 0.00901 and 0.00966; TOPMed 0.00985; 1000 Genomes Project 0.01038; ESP Exome Variant Server 0.01100; 1000 Genomes Project 30x 0.01234.
gnomAD v4.1: 2,309 of 1,246,166 alleles (0.19%); highest among the groups gnomAD compares: African/African-American, 3.1%; 26 homozygotes.

Submission:

GeneDx
Classification: Likely benign. Last evaluated: 2018-06-14. Review status: criteria provided, single submitter. Criteria: GeneDx Variant Classification (06012015). Collection method: clinical testing. Allele origin: germline. Affected: yes.
Comment: This variant is considered likely benign or benign based on one or more of the following criteria: it is a conservative change, it occurs at a poorly conserved position in the protein, it is predicted to be benign by multiple in silico algorithms, and/or has population frequency not consistent with disease.